The following is an entry in ClinVar:

NM_001105206.3(LAMA4):c.1402C>T (p.Arg468Cys)

Gene: LAMA4 (laminin subunit alpha 4; minus strand). Cytogenetic location: 6q21.
Variant type: single nucleotide variant.
Coding change: c.1402C>T on transcript NM_001105206.3 (MANE Select); coding-DNA position 1402, C replaced by T.
Protein change: p.Arg468Cys; replaces arginine 468 with cysteine.
Molecular consequence: missense variant.
Genome position (GRCh38, 1-based): chr6:112,172,760, G>A on the plus strand (C>T on the coding strand, the complement: LAMA4 is on the minus strand). VCF-style: chr6-112172760-G-A. GRCh37 (hg19) VCF-style: chr6-112493962-G-A.
Other names: c.1381C>T, p.Arg461Cys (NM_001105207.3, NM_002290.5); c.1381C>T (NM_002290.3); short protein forms R461C, R468C.
Identifiers: ClinVar variation 956443 (VCV000956443.10), dbSNP rs781834628, ClinGen allele CA3965778.

ClinVar aggregate classification (germline): Uncertain significance. Review status: criteria provided, multiple submitters, no conflicts (2 of 4 stars). 2 submissions from 2 submitters: Uncertain significance (2). Last evaluated 2023-06-05.

Conditions:
Cardiovascular phenotype. Identifiers: MedGen CN230736.
Dilated cardiomyopathy 1JJ (CMD1JJ). Identifiers: Orphanet 154, MedGen C3808935, MONDO:0014095, OMIM 615235.

Allele frequency attached by ClinVar (database versions not stated): gnomAD 0.00001; gnomAD exomes 0.00001 and 0.00003; TOPMed 0.00001; ExAC 0.00002.
gnomAD v4.1: 13 of 1,613,884 alleles (0.00081%); highest among the groups gnomAD compares: South Asian, 0.0055%; no homozygotes.

Submissions (2):

Labcorp Genetics (formerly Invitae), Labcorp
Classification: Uncertain significance for Dilated cardiomyopathy 1JJ. Last evaluated: 2023-06-05. Review status: criteria provided, single submitter. Criteria: Invitae Variant Classification Sherloc (09022015). Collection method: clinical testing. Allele origin: germline.
Comment: This sequence change replaces arginine, which is basic and polar, with cysteine, which is neutral and slightly polar, at codon 461 of the LAMA4 protein (p.Arg461Cys). This variant is present in population databases (rs781834628, gnomAD 0.02%). This variant has not been reported in the literature in individuals affected with LAMA4-related conditions. ClinVar contains an entry for this variant (Variation ID: 956443). An algorithm developed to predict the effect of missense changes on protein structure and function (PolyPhen-2) suggests that this variant is likely to be tolerated. In summary, the available evidence is currently insufficient to determine the role of this variant in disease. Therefore, it has been classified as a Variant of Uncertain Significance.

Ambry Genetics
Classification: Uncertain significance for Cardiovascular phenotype. Last evaluated: 2021-10-12. Review status: criteria provided, single submitter. Criteria: Ambry Variant Classification Scheme 2023. Collection method: clinical testing. Allele origin: germline.